The following is an entry in ClinVar:

NM_000540.3(RYR1):c.11090C>T (p.Pro3697Leu)

Gene: RYR1 (ryanodine receptor 1; plus strand). Cytogenetic location: 19q13.2.
Variant type: single nucleotide variant.
Coding change: c.11090C>T on transcript NM_000540.3 (MANE Select); coding-DNA position 11090, C replaced by T.
Protein change: p.Pro3697Leu; replaces proline 3697 with leucine.
Molecular consequence: missense variant.
Genome position (GRCh38, 1-based): chr19:38,529,006, C>T. VCF-style: chr19-38529006-C-T. GRCh37 (hg19) VCF-style: chr19-39019646-C-T.
Other names: c.11075C>T, p.Pro3692Leu (NM_001042723.2); short protein forms P3692L, P3697L.
Identifiers: ClinVar variation 4527364 (VCV004527364.2).

ClinVar aggregate classification (germline): Uncertain significance. Review status: criteria provided, multiple submitters, no conflicts (2 of 4 stars). 2 submissions from 2 submitters: Uncertain significance (2). Last evaluated 2025-09-01.

Conditions:
Malignant hyperthermia, susceptibility to, 1 (MHS1). Also called: Anesthesia related hyperthermia; Malignant hyperpyrexia; Fulminating hyperpyrexia; Pharmacogenic myopathy; Malignant hyperthermia suceptibility 1; RYR1-Related Malignant Hyperthermia Susceptibility. Identifiers: Orphanet 423, MedGen C2930980, MONDO:0007783, OMIM 145600.

gnomAD v4.1: 10 of 1,613,906 alleles (0.00062%); highest among the groups gnomAD compares: East Asian, 0.022%; no homozygotes.

Submissions (2):

Color Diagnostics, LLC DBA Color Health
Classification: Uncertain significance for Malignant hyperthermia, susceptibility to, 1. Last evaluated: 2025-09-01. Review status: criteria provided, single submitter. Criteria: ACMG Guidelines, 2015. Collection method: clinical testing. Allele origin: germline.
Comment: This missense variant replaces proline with leucine at codon 3697 of the RYR1 protein. Computational prediction suggests that this variant may have deleterious impact on protein structure and function. To our knowledge, functional studies have not been reported for this variant. This variant has not been reported in individuals affected with RYR1-related disorders in the literature. This variant has been identified in 1/248376 chromosomes in the general population by the Genome Aggregation Database (gnomAD). The available evidence is insufficient to determine the role of this variant in disease conclusively. Therefore, this variant is classified as a Variant of Uncertain Significance.

GeneDx
Classification: Uncertain significance. Last evaluated: 2025-04-24. Review status: criteria provided, single submitter. Criteria: GeneDx Variant Classification Process June 2021. Collection method: clinical testing. Allele origin: germline. Affected: yes.
Comment: Not observed at significant frequency in large population cohorts (gnomAD); In silico analysis supports that this missense variant has a deleterious effect on protein structure/function; Has not been previously published as pathogenic or benign to our knowledge